The following is an entry in ClinVar:

ClinVar aggregate classification (germline): Uncertain significance (1 of 4 stars; one submission).

Conditions:
Multiple endocrine neoplasia, type 2 (MEN2). Identifiers: Orphanet 653, MedGen C4048306, MONDO:0019003. Disease mechanism: gain of function.

Submission:

Labcorp Genetics (formerly Invitae), Labcorp
Classification: Uncertain significance for Multiple endocrine neoplasia, type 2. Last evaluated: 2022-01-03. Review status: criteria provided, single submitter. Criteria: Invitae Variant Classification Sherloc (09022015). Collection method: clinical testing. Allele origin: germline.
Comment: In summary, the available evidence is currently insufficient to determine the role of this variant in disease. Therefore, it has been classified as a Variant of Uncertain Significance. Algorithms developed to predict the effect of missense changes on protein structure and function are either unavailable or do not agree on the potential impact of this missense change (SIFT: "Deleterious"; PolyPhen-2: "Possibly Damaging"; Align-GVGD: "Class C0"). This variant has not been reported in the literature in individuals affected with RET-related conditions. This variant is not present in population databases (gnomAD no frequency). This sequence change replaces valine, which is neutral and non-polar, with methionine, which is neutral and non-polar, at codon 1041 of the RET protein (p.Val1041Met).

NM_020975.6(RET):c.3121G>A (p.Val1041Met)

Gene: RET (ret proto-oncogene; plus strand). Cytogenetic location: 10q11.21.
Variant type: single nucleotide variant.
Coding change: c.3121G>A on transcript NM_020975.6 (MANE Select); coding-DNA position 3121, G replaced by A.
Protein change: p.Val1041Met; replaces valine 1041 with methionine.
Molecular consequence: missense variant.
Genome position (GRCh38, 1-based): chr10:43,126,656, G>A. VCF-style: chr10-43126656-G-A. GRCh37 (hg19) VCF-style: chr10-43622104-G-A.
Other names: c.3121G>A, p.Val1041Met (NM_000323.2, NM_001406743.1, NM_001406744.1 and 4 more transcripts); c.2359G>A, p.Val787Met (NM_001355216.2); c.2992G>A, p.Val998Met (NM_001406761.1, NM_001406762.1, NM_001406764.1); c.2986G>A, p.Val996Met (NM_001406763.1, NM_001406765.1); c.2833G>A, p.Val945Met (NM_001406766.1, NM_001406767.1, NM_001406770.1); c.2857G>A, p.Val953Met (NM_001406768.1); c.2725G>A, p.Val909Met (NM_001406769.1, NM_001406772.1); c.2683G>A, p.Val895Met (NM_001406771.1, NM_001406773.1); and 10 more; short protein forms V606M, V702M, V742M, V953M, V996M, V711M, V866M, V909M.
Identifiers: ClinVar variation 2071942 (VCV002071942.2), dbSNP rs2133035526, ClinGen allele CA376558433.